The following is an entry in ClinVar:

ClinVar aggregate classification (germline): Uncertain significance (1 of 4 stars; one submission).

Conditions:
Hereditary cancer-predisposing syndrome. Also called: Neoplastic Syndromes, Hereditary; Tumor predisposition; Hereditary Cancer Syndrome; Hereditary neoplastic syndrome. Identifiers: Orphanet 140162, MedGen C0027672, MeSH D009386, MONDO:0015356.

Submission:

Ambry Genetics
Classification: Uncertain significance for Hereditary cancer-predisposing syndrome. Last evaluated: 2025-07-13. Review status: criteria provided, single submitter. Criteria: Ambry Variant Classification Scheme 2023. Collection method: clinical testing. Allele origin: germline.
Comment: The p.A24S variant (also known as c.70G>T), located in coding exon 1 of the CTNNA1 gene, results from a G to T substitution at nucleotide position 70. The alanine at codon 24 is replaced by serine, an amino acid with similar properties. This amino acid position is highly conserved in available vertebrate species. In addition, this alteration is predicted to be tolerated by in silico analysis. Since supporting evidence is limited at this time, the clinical significance of this alteration remains unclear.

NM_001903.5(CTNNA1):c.70G>T (p.Ala24Ser)

Gene: CTNNA1 (catenin alpha 1; plus strand). Cytogenetic location: 5q31.2.
Variant type: single nucleotide variant.
Coding change: c.70G>T on transcript NM_001903.5 (MANE Select); coding-DNA position 70, G replaced by T.
Protein change: p.Ala24Ser; replaces alanine 24 with serine.
Molecular consequence: missense variant. On other transcripts: 5 prime UTR variant (2).
Genome position (GRCh38, 1-based): chr5:138,781,994, G>T. VCF-style: chr5-138781994-G-T. GRCh37 (hg19) VCF-style: chr5-138117683-G-T.
Other names: c.70G>T, p.Ala24Ser (NM_001290307.3, NM_001323982.2, NM_001323983.1 and 3 more transcripts); c.-44G>T (NM_001290309.3); c.-137G>T (NM_001290310.3); short protein forms A24S.
Identifiers: ClinVar variation 1757180 (VCV001757180.3), dbSNP rs1472535447, ClinGen allele CA361477172.